The following is an entry in ClinVar:

NM_005432.4(XRCC3):c.801C>T (p.Gly267=)

Genes: KLC1 (kinesin light chain 1; plus strand), XRCC3 (X-ray repair cross complementing 3; minus strand). Cytogenetic location: 14q32.33.
Variant type: single nucleotide variant.
Coding change: c.801C>T on transcript NM_005432.4 (MANE Select); coding-DNA position 801, C replaced by T.
Protein change: p.Gly267=; no amino-acid change (glycine 267 retained).
Molecular consequence: synonymous variant. On other transcripts: intron variant (15).
Genome position (GRCh38, 1-based): chr14:103,699,153, G>A on the plus strand (C>T on the coding strand, the complement: XRCC3 is on the minus strand). VCF-style: chr14-103699153-G-A. GRCh37 (hg19) VCF-style: chr14-104165490-G-A.
Other names: c.801C>T, p.Gly267= (NM_001100118.2, NM_001100119.2, NM_001371229.1 and 2 more transcripts); c.1924-1502G>A (NM_001394832.1); c.1857-1502G>A (NM_001394836.1); c.1726-1502G>A (NM_001394846.1); c.1897-1502G>A (NM_001394834.1); c.1830-1502G>A (NM_001394839.1); c.1699-1502G>A (NM_001394848.1); c.1849-1502G>A (NM_001394837.1); and 8 more.
Identifiers: ClinVar variation 3053237 (VCV003053237.2), dbSNP rs765302014, ClinGen allele CA7366337.
Genomic context (GRCh38, chr14:103,699,153, plus strand): 5'-CACCTGCACAGAGGTGCACACACCACATGGCTGCACTCACCCCAGCGGCCCGTGTGCTGC[G>A]CCCTGCTCCTCCATGGCCTCTGTCACCTGGAAGAGCACAGTCCAGGTCAGCTGCAACGGC-3'
Protein context (NP_005423.1, residues 257-277): NQVTEAMEEQ[Gly267=]AAHGPLGFWD

ClinVar aggregate classification (germline): Likely benign (0 of 4 stars; one submission).

Conditions:
XRCC3-related disorder. Also called: XRCC3-related condition.

Allele frequency attached by ClinVar (database versions not stated): ExAC 0.00013.
gnomAD v4.1: 22 of 1,571,042 alleles (0.0014%); highest among the groups gnomAD compares: Middle Eastern, 0.033%; no homozygotes.

Submission:

PreventionGenetics, part of Exact Sciences
Classification: Likely benign for XRCC3-related condition. Last evaluated: 2019-08-14. Review status: no assertion criteria provided. Collection method: clinical testing. Allele origin: germline.
Comment: This variant is classified as likely benign based on ACMG/AMP sequence variant interpretation guidelines (Richards et al. 2015 PMID: 25741868, with internal and published modifications).